The following is an entry in ClinVar:

NM_181303.2(NLGN3):c.707A>G (p.Asn236Ser)

Gene: NLGN3 (neuroligin 3; plus strand). Cytogenetic location: Xq13.1.
Variant type: single nucleotide variant.
Coding change: c.707A>G on transcript NM_181303.2 (MANE Select); coding-DNA position 707, A replaced by G.
Protein change: p.Asn236Ser; replaces asparagine 236 with serine.
Molecular consequence: missense variant.
Genome position (GRCh38, 1-based): chrX:71,155,343, A>G. VCF-style: chrX-71155343-A-G. GRCh37 (hg19) VCF-style: chrX-70375193-A-G.
Other names: c.587A>G, p.Asn196Ser (NM_001166660.2); c.296A>G, p.Asn99Ser (NM_001321276.2); c.647A>G, p.Asn216Ser (NM_018977.4); short protein forms N216S, N236S, N99S, N196S.
Identifiers: ClinVar variation 1028130 (VCV001028130.1), dbSNP rs2092405042, ClinGen allele CA413552932.

ClinVar aggregate classification (germline): Uncertain significance (1 of 4 stars; one submission).

Conditions:
Autism, susceptibility to, X-linked 1 (AUTSX1). Also called: Autism susceptibility, X-linked 1. Identifiers: MedGen C1845540, MONDO:0010321, OMIM 300425.

Submission:

Baylor Genetics
Classification: Uncertain significance for Autism, susceptibility to, X-linked 1. Last evaluated: 2019-11-05. Review status: criteria provided, single submitter. Criteria: ACMG Guidelines, 2015. Collection method: clinical testing. Allele origin: unknown. Affected: yes.
Comment: This variant was determined to be of uncertain significance according to ACMG Guidelines, 2015 [PMID:25741868].